The following is an entry in ClinVar:

NM_001100913.3(PACS2):c.564C>T (p.Ala188=)

Gene: PACS2 (phosphofurin acidic cluster sorting protein 2; plus strand). Cytogenetic location: 14q32.33.
Variant type: single nucleotide variant.
Coding change: c.564C>T on transcript NM_001100913.3 (MANE Select); coding-DNA position 564, C replaced by T.
Protein change: p.Ala188=; no amino-acid change (alanine 188 retained).
Molecular consequence: synonymous variant.
Genome position (GRCh38, 1-based): chr14:105,367,353, C>T. VCF-style: chr14-105367353-C-T. GRCh37 (hg19) VCF-style: chr14-105833690-C-T.
Other names: c.564C>T (NM_001100913.2); c.363C>T, p.Ala121= (NM_001243127.3); c.564C>T, p.Ala188= (NM_015197.4).
Identifiers: ClinVar variation 1463181 (VCV001463181.9), dbSNP rs370519258, ClinGen allele CA7388415.
Genomic context (GRCh38, chr14:105,367,353, plus strand): 5'-GATCTGGATCGCCTCCCTGTCCAGCCAGCCCATTGACCACGAAGACAGCACCATGCAGGC[C>T]GGCCCCAAGGCCAAGTCCACGGGTGAGTGTGGTGCCAGCCCGCTCCTGCCCCTGCTGTGG-3'
Protein context (NP_001094383.2, residues 178-198): PIDHEDSTMQ[Ala188=]GPKAKSTDNY

ClinVar aggregate classification (germline): Likely benign. Review status: criteria provided, multiple submitters, no conflicts (2 of 4 stars). 2 submissions from 2 submitters: Likely benign (2). Last evaluated 2025-08-29.

Conditions:
PACS2-related disorder. Also called: PACS2-related condition.

Allele frequency attached by ClinVar (database versions not stated): gnomAD 0.00009; gnomAD exomes 0.00010 and 0.00016; TOPMed 0.00011; ExAC 0.00015; ESP Exome Variant Server 0.00015.
gnomAD v4.1: 159 of 1,613,170 alleles (0.0099%); highest among the groups gnomAD compares: Admixed American, 0.028%; no homozygotes.

Submissions (2):

Labcorp Genetics (formerly Invitae), Labcorp
Classification: Likely benign. Last evaluated: 2025-08-29. Review status: criteria provided, single submitter. Criteria: Invitae Variant Classification Sherloc (09022015). Collection method: clinical testing. Allele origin: germline.

PreventionGenetics, part of Exact Sciences
Classification: Likely benign for PACS2-related condition. Last evaluated: 2025-04-23. Review status: criteria provided, single submitter. Criteria: ACMG Guidelines, 2015. Collection method: clinical testing. Allele origin: germline.
Comment: This variant is classified as likely benign based on ACMG/AMP sequence variant interpretation guidelines (Richards et al. 2015 PMID: 25741868, with internal and published modifications).